The following is an entry in ClinVar:

ClinVar aggregate classification (germline): Conflicting classifications of pathogenicity. Review status: criteria provided, conflicting classifications (1 of 4 stars). 3 submissions from 3 submitters: Uncertain significance (1); Likely benign (2). Last evaluated 2026-01-26.

Conditions:
Inborn genetic diseases. Identifiers: MedGen C0950123, MeSH D030342.

Allele frequency attached by ClinVar (database versions not stated): gnomAD exomes 0.00010 and 0.00042; gnomAD 0.00013 and 0.00019; TOPMed 0.00031; ExAC 0.00036; 1000 Genomes Project 30x 0.00078; 1000 Genomes Project 0.00080.
gnomAD v4.1: 175 of 1,613,966 alleles (0.011%); highest among the groups gnomAD compares: East Asian, 0.33%; no homozygotes.

Submissions (3):

Labcorp Genetics (formerly Invitae), Labcorp
Classification: Likely benign. Last evaluated: 2026-01-26. Review status: criteria provided, single submitter. Criteria: Invitae Variant Classification Sherloc (09022015). Collection method: clinical testing. Allele origin: germline.

Ambry Genetics
Classification: Likely benign for Inborn genetic diseases. Last evaluated: 2023-10-25. Review status: criteria provided, single submitter. Criteria: Ambry Variant Classification Scheme 2023. Collection method: clinical testing. Allele origin: germline.

GeneDx
Classification: Uncertain significance. Last evaluated: 2021-03-29. Review status: criteria provided, single submitter. Criteria: GeneDx Variant Classification Process June 2021. Collection method: clinical testing. Allele origin: germline. Affected: yes.
Comment: In silico analysis supports that this missense variant does not alter protein structure/function; Has not been previously published as pathogenic or benign to our knowledge

NM_015378.4(VPS13D):c.8722A>T (p.Thr2908Ser)

Gene: VPS13D (vacuolar protein sorting 13 homolog D; plus strand). Cytogenetic location: 1p36.22.
Variant type: single nucleotide variant.
Coding change: c.8722A>T on transcript NM_015378.4 (MANE Select); coding-DNA position 8722, A replaced by T.
Protein change: p.Thr2908Ser; replaces threonine 2908 with serine.
Molecular consequence: missense variant.
Genome position (GRCh38, 1-based): chr1:12,341,875, A>T. VCF-style: chr1-12341875-A-T. GRCh37 (hg19) VCF-style: chr1-12401932-A-T.
Other names: c.8722A>T (NM_015378.2); c.8647A>T, p.Thr2883Ser (NM_018156.4); short protein forms T2883S, T2908S.
Identifiers: ClinVar variation 1304304 (VCV001304304.7), dbSNP rs184253678, ClinGen allele CA603215.